The following is an entry in ClinVar:

ClinVar aggregate classification (germline): Uncertain significance (0 of 4 stars; one submission).

Submission:

Greenwood Genetic Center Diagnostic Laboratories, Greenwood Genetic Center
Classification: Uncertain significance. Last evaluated: 2021-02-04. Review status: no assertion criteria provided. Collection method: clinical testing. Allele origin: germline. Affected: yes.
Comment: Gene of uncertain clinical significance

NM_001004309.3(ZNF774):c.515C>T (p.Thr172Ile)

Gene: ZNF774 (zinc finger protein 774; plus strand). Cytogenetic location: 15q26.1.
Variant type: single nucleotide variant.
Coding change: c.515C>T on transcript NM_001004309.3 (MANE Select); coding-DNA position 515, C replaced by T.
Protein change: p.Thr172Ile; replaces threonine 172 with isoleucine.
Molecular consequence: missense variant.
Genome position (GRCh38, 1-based): chr15:90,360,346, C>T. VCF-style: chr15-90360346-C-T. GRCh37 (hg19) VCF-style: chr15-90903578-C-T.
Other names: short protein forms T172I.
Identifiers: ClinVar variation 1331570 (VCV001331570.4), dbSNP rs1567102251, ClinGen allele CA393820099.